The following is an entry in ClinVar:

ClinVar aggregate classification (germline): Conflicting classifications of pathogenicity. Review status: criteria provided, conflicting classifications (1 of 4 stars). 4 submissions from 4 submitters: Uncertain significance (1); Likely benign (3). Last evaluated 2025-12-24.

Allele frequency attached by ClinVar (database versions not stated): TOPMed 0.00022; gnomAD exomes 0.00030; ESP Exome Variant Server 0.00031; ExAC 0.00039.
gnomAD v4.1: 413 of 1,614,022 alleles (0.026%); highest among the groups gnomAD compares: Non-Finnish European, 0.032%; 1 homozygote.

Submissions (4):

Labcorp Genetics (formerly Invitae), Labcorp
Classification: Likely benign. Last evaluated: 2025-12-24. Review status: criteria provided, single submitter. Criteria: Invitae Variant Classification Sherloc (09022015). Collection method: clinical testing. Allele origin: germline.

CeGaT Center for Human Genetics Tuebingen
Classification: Likely benign. Last evaluated: 2025-05-01. Review status: criteria provided, single submitter. Criteria: CeGaT Center For Human Genetics Tuebingen Variant Classification Criteria Version 2. Collection method: clinical testing. Allele origin: germline. Affected: yes. Observed: 1 variant allele.
Comment: RINT1: BP4, BS2

Institute for Clinical Genetics, University Hospital TU Dresden, University Hospital TU Dresden
Classification: Uncertain significance. Last evaluated: 2021-11-03. Review status: criteria provided, single submitter. Criteria: ACMG Guidelines, 2015. Collection method: clinical testing. Allele origin: germline.

Ambry Genetics
Classification: Likely benign. Last evaluated: 2020-09-16. Review status: criteria provided, single submitter. Criteria: Ambry Variant Classification Scheme 2023. Collection method: clinical testing. Allele origin: germline.

NM_021930.6(RINT1):c.766C>G (p.Arg256Gly)

Gene: RINT1 (RAD50 interactor 1; plus strand). Cytogenetic location: 7q22.3.
Variant type: single nucleotide variant.
Coding change: c.766C>G on transcript NM_021930.6 (MANE Select); coding-DNA position 766, C replaced by G.
Protein change: p.Arg256Gly; replaces arginine 256 with glycine.
Molecular consequence: missense variant. On other transcripts: 5 prime UTR variant (2), non-coding transcript variant (1), intron variant (1).
Genome position (GRCh38, 1-based): chr7:105,547,260, C>G. VCF-style: chr7-105547260-C-G. GRCh37 (hg19) VCF-style: chr7-105187707-C-G.
Other names: c.532C>G, p.Arg178Gly (NM_001346599.2); c.-254C>G (NM_001346600.2); c.-157C>G (NM_001346601.2); c.-27-2795C>G (NM_001346603.2); short protein forms R256G, R178G.
Identifiers: ClinVar variation 241415 (VCV000241415.26), dbSNP rs144994876, ClinGen allele CA4426519.
Genomic context (GRCh38, chr7:105,547,260, plus strand): 5'-TTAGCACAGCTTCATTGGCCATTCATCGCACCCCCTCAATCACAAACTGTTGGCTTAAGT[C>G]GACCTGCCAGTGCCCCGGAGATATACAGTTACCTGGAGACACTGTTTTGTCAGCTTTTGA-3'
Protein context (NP_068749.3, residues 246-266): PPQSQTVGLS[Arg256Gly]PASAPEIYSY